The following is an entry in ClinVar:

NM_053025.4(MYLK):c.916C>G (p.Pro306Ala)

Gene: MYLK (myosin light chain kinase; minus strand). Cytogenetic location: 3q21.1.
Variant type: single nucleotide variant.
Coding change: c.916C>G on transcript NM_053025.4 (MANE Select); coding-DNA position 916, C replaced by G.
Protein change: p.Pro306Ala; replaces proline 306 with alanine.
Molecular consequence: missense variant.
Genome position (GRCh38, 1-based): chr3:123,734,080, G>C on the plus strand (C>G on the coding strand, the complement: MYLK is on the minus strand). VCF-style: chr3-123734080-G-C. GRCh37 (hg19) VCF-style: chr3-123452927-G-C.
Other names: c.388C>G, p.Pro130Ala (NM_001321309.2); c.916C>G, p.Pro306Ala (NM_053026.4, NM_053027.4, NM_053028.4); short protein forms P306A, P130A.
Identifiers: ClinVar variation 1766032 (VCV001766032.2), dbSNP rs762341440, ClinGen allele CA073751.

ClinVar aggregate classification (germline): Uncertain significance (1 of 4 stars; one submission).

Conditions:
Familial thoracic aortic aneurysm and aortic dissection (TAAD). Also called: Thoracic aortic aneurysms and dissections. Identifiers: Orphanet 91387, MedGen C4707243, MONDO:0019625.

Allele frequency attached by ClinVar (database versions not stated): gnomAD exomes below 0.00001; ExAC 0.00001; TOPMed 0.00001.
gnomAD v4.1: 2 of 1,612,694 alleles (0.00012%); highest among the groups gnomAD compares: South Asian, 0.0022%; no homozygotes.

Submission:

Ambry Genetics
Classification: Uncertain significance for Familial thoracic aortic aneurysm and aortic dissection. Last evaluated: 2022-10-17. Review status: criteria provided, single submitter. Criteria: Ambry Variant Classification Scheme 2023. Collection method: clinical testing. Allele origin: germline.
Comment: The p.P306A variant (also known as c.916C>G), located in coding exon 7 of the MYLK gene, results from a C to G substitution at nucleotide position 916. The proline at codon 306 is replaced by alanine, an amino acid with highly similar properties. This amino acid position is conserved. In addition, this alteration is predicted to be tolerated by in silico analysis. Since supporting evidence is limited at this time, the clinical significance of this alteration remains unclear.